The following is an entry in ClinVar:

ClinVar aggregate classification (germline): Uncertain significance (1 of 4 stars; one submission).

Conditions:
Mendelian susceptibility to mycobacterial diseases due to partial STAT1 deficiency. Also called: IMMUNODEFICIENCY 31A, MYCOBACTERIOSIS, AUTOSOMAL DOMINANT; STAT1 DEFICIENCY, AUTOSOMAL DOMINANT; Immunodeficiency 31a. Identifiers: Orphanet 319595, MedGen C4013950, MONDO:0013956, OMIM 614892.
Immunodeficiency 31B. Also called: IMMUNODEFICIENCY 31B, MYCOBACTERIAL AND VIRAL INFECTIONS, AUTOSOMAL RECESSIVE; STAT1 DEFICIENCY, AUTOSOMAL RECESSIVE. Identifiers: Orphanet 391311, MedGen C3151088, MONDO:0013427, OMIM 613796.
Autoimmune enteropathy and endocrinopathy - susceptibility to chronic infections syndrome. Also called: Immunodeficiency 31C, autosomal dominant; Immunodeficiency 31C. Identifiers: Orphanet 391487, MedGen C3279990, MONDO:0013599, OMIM 614162.

Submission:

Labcorp Genetics (formerly Invitae), Labcorp
Classification: Uncertain significance for Mendelian susceptibility to mycobacterial diseases due to partial STAT1 deficiency; Immunodeficiency 31B; Autoimmune enteropathy and endocrinopathy - susceptibility to chronic infections syndrome. Last evaluated: 2020-09-08. Review status: criteria provided, single submitter. Criteria: Invitae Variant Classification Sherloc (09022015). Collection method: clinical testing. Allele origin: germline.
Comment: In summary, the available evidence is currently insufficient to determine the role of this variant in disease. Therefore, it has been classified as a Variant of Uncertain Significance. Algorithms developed to predict the effect of missense changes on protein structure and function are either unavailable or do not agree on the potential impact of this missense change (SIFT: "Deleterious"; PolyPhen-2: "Possibly Damaging"; Align-GVGD: "Class C0"). This variant has not been reported in the literature in individuals with STAT1-related conditions. This variant is not present in population databases (ExAC no frequency). This sequence change replaces alanine with glutamic acid at codon 401 of the STAT1 protein (p.Ala401Glu). The alanine residue is highly conserved and there is a moderate physicochemical difference between alanine and glutamic acid.

NM_007315.4(STAT1):c.1202C>A (p.Ala401Glu)

Gene: STAT1 (signal transducer and activator of transcription 1; minus strand). Cytogenetic location: 2q32.2.
Variant type: single nucleotide variant.
Coding change: c.1202C>A on transcript NM_007315.4 (MANE Select); coding-DNA position 1202, C replaced by A.
Protein change: p.Ala401Glu; replaces alanine 401 with glutamic acid.
Molecular consequence: missense variant.
Genome position (GRCh38, 1-based): chr2:190,986,873, G>T on the plus strand (C>A on the coding strand, the complement: STAT1 is on the minus strand). VCF-style: chr2-190986873-G-T. GRCh37 (hg19) VCF-style: chr2-191851599-G-T.
Other names: c.1142C>A, p.Ala381Glu (NM_001384880.1); c.1208C>A, p.Ala403Glu (NM_001384881.1, NM_001384884.1); c.1196C>A, p.Ala399Glu (NM_001384882.1); c.1103C>A, p.Ala368Glu (NM_001384883.1); c.1043C>A, p.Ala348Glu (NM_001384885.1); c.1202C>A, p.Ala401Glu (NM_001384886.1, NM_001384889.1, NM_139266.3); c.1109C>A, p.Ala370Glu (NM_001384887.1); c.1172C>A, p.Ala391Glu (NM_001384888.1); and 2 more; short protein forms A348E, A368E, A370E, A371E, A381E, A391E, A399E, A401E.
Identifiers: ClinVar variation 1017833 (VCV001017833.8), dbSNP rs1692872913, ClinGen allele CA349918882.